The following is an entry in ClinVar:

NM_018419.3(SOX18):c.5A>G (p.Gln2Arg)

Genes: SOX18 (SRY-box transcription factor 18; minus strand), LOC108281116 (SOX18 promoter region; plus strand). Cytogenetic location: 20q13.33.
Variant type: single nucleotide variant.
Coding change: c.5A>G on transcript NM_018419.3 (MANE Select); coding-DNA position 5, A replaced by G.
Protein change: p.Gln2Arg; replaces glutamine 2 with arginine.
Molecular consequence: missense variant.
Genome position (GRCh38, 1-based): chr20:64,049,512, T>C on the plus strand (A>G on the coding strand, the complement: SOX18 is on the minus strand). VCF-style: chr20-64049512-T-C. GRCh37 (hg19) VCF-style: chr20-62680865-T-C.
Other names: short protein forms Q2R.
Identifiers: ClinVar variation 2612253 (VCV002612253.3), dbSNP rs2059422454, ClinGen allele CA409757121.

ClinVar aggregate classification (germline): Uncertain significance. Review status: criteria provided, multiple submitters, no conflicts (2 of 4 stars). 2 submissions from 2 submitters: Uncertain significance (2). Last evaluated 2025-10-01.

Conditions:
Inborn genetic diseases. Identifiers: MedGen C0950123, MeSH D030342.

Allele frequency attached by ClinVar (database versions not stated): TOPMed below 0.00001; gnomAD exomes 0.00004.

Submissions (2):

Labcorp Genetics (formerly Invitae), Labcorp
Classification: Uncertain significance. Last evaluated: 2025-10-01. Review status: criteria provided, single submitter. Criteria: Invitae Variant Classification Sherloc (09022015). Collection method: clinical testing. Allele origin: germline.
Comment: This sequence change replaces glutamine, which is neutral and polar, with arginine, which is basic and polar, at codon 2 of the SOX18 protein (p.Gln2Arg). This variant is not present in population databases (gnomAD no frequency). This variant has not been reported in the literature in individuals affected with SOX18-related conditions. ClinVar contains an entry for this variant (Variation ID: 2612253). An algorithm developed to predict the effect of missense changes on protein structure and function (PolyPhen-2) suggests that this variant is likely to be tolerated. In summary, the available evidence is currently insufficient to determine the role of this variant in disease. Therefore, it has been classified as a Variant of Uncertain Significance.

Ambry Genetics
Classification: Uncertain significance for Inborn genetic diseases. Last evaluated: 2023-07-17. Review status: criteria provided, single submitter. Criteria: Ambry Variant Classification Scheme 2023. Collection method: clinical testing. Allele origin: germline.